The following is an entry in ClinVar:

NM_001253697.2(ERBIN):c.3634-3256A>G

Gene: ERBIN (erbb2 interacting protein; plus strand). Cytogenetic location: 5q12.3.
Variant type: single nucleotide variant.
Coding change: c.3634-3256A>G on transcript NM_001253697.2 (MANE Select); 3256 bases into the intron before coding-DNA position 3634, A replaced by G.
Molecular consequence: intron variant. On other transcripts: missense variant (1).
Genome position (GRCh38, 1-based): chr5:66,068,913, A>G. VCF-style: chr5-66068913-A-G. GRCh37 (hg19) VCF-style: chr5-65364741-A-G.
Other names: c.3670A>G, p.Thr1224Ala (NM_001253699.2); c.3634-6111A>G (NM_018695.4, NM_001253698.2); c.3634-7403A>G (NM_001006600.3); c.3622-6111A>G (NM_001253701.2); short protein forms T1224A.
Identifiers: ClinVar variation 2634996 (VCV002634996.1), dbSNP rs552177854, ClinGen allele CA3286703.

ClinVar aggregate classification (germline): Uncertain significance (1 of 4 stars; one submission).

Conditions:
ERBIN-related disorder. Also called: ERBIN-related condition.

Allele frequency attached by ClinVar (database versions not stated): gnomAD 0.00029; ExAC 0.00049.
gnomAD v4.1: 617 of 1,535,674 alleles (0.04%); highest among the groups gnomAD compares: South Asian, 0.094%; no homozygotes.

Submission:

PreventionGenetics, part of Exact Sciences
Classification: Uncertain significance for ERBIN-related condition. Last evaluated: 2023-03-11. Review status: criteria provided, single submitter. Criteria: ACMG Guidelines, 2015. Collection method: clinical testing. Allele origin: germline.
Comment: The ERBIN c.3670A>G variant is predicted to result in the amino acid substitution p.Thr1224Ala. To our knowledge, this variant has not been reported in the literature. This variant is reported in 0.089% of alleles in individuals of South Asian descent in gnomAD. Although we suspect that this variant may be benign, at this time, the clinical significance of this variant is uncertain due to the absence of conclusive functional and genetic evidence.